The following is an entry in ClinVar:

NM_033215.5(PPP1R3F):c.2003A>C (p.Glu668Ala)

Gene: PPP1R3F (protein phosphatase 1 regulatory subunit 3F; plus strand). Cytogenetic location: Xp11.23.
Variant type: single nucleotide variant.
Coding change: c.2003A>C on transcript NM_033215.5 (MANE Select); coding-DNA position 2003, A replaced by C.
Protein change: p.Glu668Ala; replaces glutamic acid 668 with alanine.
Molecular consequence: missense variant.
Genome position (GRCh38, 1-based): chrX:49,286,693, A>C. VCF-style: chrX-49286693-A-C. GRCh37 (hg19) VCF-style: chrX-49143155-A-C.
Other names: c.965A>C, p.Glu322Ala (NM_001184745.2); short protein forms E322A, E668A.
Identifiers: ClinVar variation 4873706 (VCV004873706.2).
Genomic context (GRCh38, chrX:49,286,693, plus strand): 5'-AGGACACCAGCTCTTTGCACATGAATAGGGTGATAGCTGGGGTGACTGAGTCCCTGGGGG[A>C]GGCCGGGACAGAAGCCCAGATAGAGGTCACCAGTGAGTGGGCAGGCAGCTTGGATCCCAT-3'
Protein context (NP_149992.3, residues 658-678): VIAGVTESLG[Glu668Ala]AGTEAQIEVT

ClinVar aggregate classification (germline): Likely benign (1 of 4 stars; one submission).

gnomAD v4.1: 194 of 1,207,289 alleles (0.016%); highest among the groups gnomAD compares: Admixed American, 0.42%; no homozygotes.

Submission:

CeGaT Center for Human Genetics Tuebingen
Classification: Likely benign. Last evaluated: 2026-06-01. Review status: criteria provided, single submitter. Criteria: CeGaT Center For Human Genetics Tuebingen Variant Classification Criteria Version 2. Collection method: clinical testing. Allele origin: germline. Affected: yes. Observed: 1 variant allele.
Comment: PPP1R3F: BP4, BS2